The following is an entry in ClinVar:

NM_001042492.3(NF1):c.4510del (p.Val1504fs)

Gene: NF1 (neurofibromin 1; plus strand). Cytogenetic location: 17q11.2.
Variant type: Deletion.
Coding change: c.4510del on transcript NM_001042492.3 (MANE Select); coding-DNA position 4510, one base deleted (G; older notation c.4510delG).
Protein change: p.Val1504fs; shifts the reading frame from valine 1504.
Molecular consequence: frameshift variant.
Genome position (GRCh38, 1-based): chr17:31,260,448, G deleted. VCF-style (leftmost placement, unchanged base first): chr17-31260447-TG-T. GRCh37 (hg19) VCF-style: chr17-29587465-TG-T.
Other names: c.4447delG, p.Val1483Cysfs (NM_000267.4); short protein forms V1483fs, V1504fs.
Identifiers: ClinVar variation 1074033 (VCV001074033.1), dbSNP rs2151464705, ClinGen allele CA2499224142.
Genomic context (GRCh38, chr17:31,260,447, plus strand): 5'-ATCTGATTGTCCTACAAGTGATGCAGTAAATCATAGTCTTTCCTTCATAAGTGACGGCAA[TG>T]TGCTTGCTTTACATCGTCTACTCTGGAACAATCAGGAGAAAATTGGGCAGTATCTTTCCA-3'

ClinVar aggregate classification (germline): Pathogenic (1 of 4 stars; one submission).

Conditions:
Neurofibromatosis, type 1 (NF1). Also called: VON RECKLINGHAUSEN DISEASE; Peripheral type neurofibromatosis; NEUROFIBROMATOSIS, TYPE I, SOMATIC; Neurofibromatosis, type I. Identifiers: Orphanet 636, MedGen C0027831, MONDO:0018975, OMIM 162200. Disease mechanism: loss of function.

Submission:

Labcorp Genetics (formerly Invitae), Labcorp
Classification: Pathogenic for Neurofibromatosis, type 1. Last evaluated: 2020-05-23. Review status: criteria provided, single submitter. Criteria: Invitae Variant Classification Sherloc (09022015). Collection method: clinical testing. Allele origin: germline.
Comment: This sequence change creates a premature translational stop signal (p.Val1483Cysfs*70) in the NF1 gene. It is expected to result in an absent or disrupted protein product. This variant is not present in population databases (ExAC no frequency). This variant has not been reported in the literature in individuals with NF1-related conditions. Loss-of-function variants in NF1 are known to be pathogenic (PMID: 10712197, 23913538). For these reasons, this variant has been classified as Pathogenic.

Literature cited by the submitters: PubMed 10712197; PubMed 23913538.